The following is an entry in ClinVar:

NM_002317.7(LOX):c.1189C>T (p.Arg397Cys)

Genes: SRFBP1 (serum response factor binding protein 1; plus strand), LOX (lysyl oxidase; minus strand). Cytogenetic location: 5q23.1.
Variant type: single nucleotide variant.
Coding change: c.1189C>T on transcript NM_002317.7 (MANE Select); coding-DNA position 1189, C replaced by T.
Protein change: p.Arg397Cys; replaces arginine 397 with cysteine.
Molecular consequence: missense variant.
Genome position (GRCh38, 1-based): chr5:122,070,111, G>A on the plus strand (C>T on the coding strand, the complement: LOX is on the minus strand). VCF-style: chr5-122070111-G-A. GRCh37 (hg19) VCF-style: chr5-121405806-G-A.
Other names: c.1189C>T (NM_002317.5); c.499C>T, p.Arg167Cys (NM_001178102.2); c.298C>T, p.Arg100Cys (NM_001317073.1); short protein forms R100C, R167C, R397C.
Identifiers: ClinVar variation 1215447 (VCV001215447.15), dbSNP rs768819499, ClinGen allele CA3383823.
Genomic context (GRCh38, chr5:122,070,111, plus strand): 5'-ACGGTGAAATTGTGCAGCCTGAGGCATACGCATGATGTCCTGTGTAGCGAATGTCACAGC[G>A]CACAACATTGTTGGTATAGTCAGATTCAGGAACCAGGTAGCTGGGGTTTACACTGACCTG-3'
Protein context (NP_002308.2, residues 387-407): PESDYTNNVV[Arg397Cys]CDIRYTGHHA

ClinVar aggregate classification (germline): Uncertain significance. Review status: criteria provided, multiple submitters, no conflicts (2 of 4 stars). 5 submissions from 5 submitters: Uncertain significance (5). Last evaluated 2026-04-29.

Conditions:
Aortic aneurysm, familial thoracic 10 (AAT10). Identifiers: MedGen C4284414, MONDO:0014950, OMIM 617168.
Cardiovascular phenotype. Identifiers: MedGen CN230736.

Allele frequency attached by ClinVar (database versions not stated): TOPMed below 0.00001; gnomAD exomes 0.00001; ExAC 0.00002.
gnomAD v4.1: 15 of 1,613,272 alleles (0.00093%); highest among the groups gnomAD compares: Admixed American, 0.0017%; no homozygotes.

Submissions (5):

Ambry Genetics
Classification: Uncertain significance for Cardiovascular phenotype. Last evaluated: 2026-04-29. Review status: criteria provided, single submitter. Criteria: Ambry Variant Classification Scheme 2023. Collection method: clinical testing. Allele origin: germline.
Comment: The p.R397C variant (also known as c.1189C>T), located in coding exon 6 of the LOX gene, results from a C to T substitution at nucleotide position 1189. The arginine at codon 397 is replaced by cysteine, an amino acid with highly dissimilar properties. This amino acid position is highly conserved in available vertebrate species. In addition, this alteration is predicted to be deleterious by in silico analysis. Based on the available evidence, the clinical significance of this variant remains unclear.

Labcorp Genetics (formerly Invitae), Labcorp
Classification: Uncertain significance. Last evaluated: 2025-10-14. Review status: criteria provided, single submitter. Criteria: Invitae Variant Classification Sherloc (09022015). Collection method: clinical testing. Allele origin: germline.
Comment: This sequence change replaces arginine, which is basic and polar, with cysteine, which is neutral and slightly polar, at codon 397 of the LOX protein (p.Arg397Cys). This variant is present in population databases (rs768819499, gnomAD 0.003%). This variant has not been reported in the literature in individuals affected with LOX-related conditions. ClinVar contains an entry for this variant (Variation ID: 1215447). Invitae Evidence Modeling of protein sequence and biophysical properties (such as structural, functional, and spatial information, amino acid conservation, physicochemical variation, residue mobility, and thermodynamic stability) indicates that this missense variant is expected to disrupt LOX protein function with a positive predictive value of 95%. In summary, the available evidence is currently insufficient to determine the role of this variant in disease. Therefore, it has been classified as a Variant of Uncertain Significance.

Blueprint Genetics
Classification: Uncertain significance. Last evaluated: 2024-09-19. Review status: criteria provided, single submitter. Criteria: ACMG Guidelines, 2015. Collection method: clinical testing. Allele origin: germline.

GeneDx
Classification: Uncertain significance. Last evaluated: 2023-01-11. Review status: criteria provided, single submitter. Criteria: GeneDx Variant Classification Process June 2021. Collection method: clinical testing. Allele origin: germline. Affected: yes.
Comment: Has not been previously published as pathogenic or benign to our knowledge; Not observed at a significant frequency in large population cohorts (gnomAD); In silico analysis supports that this missense variant has a deleterious effect on protein structure/function

Institute of Human Genetics, University of Leipzig Medical Center
Classification: Uncertain significance for Aortic aneurysm, familial thoracic 10. Last evaluated: 2021-11-18. Review status: criteria provided, single submitter. Criteria: ACMG Guidelines, 2015. Collection method: clinical testing. Allele origin: unknown. Affected: yes.
Comment: _x000D_ Criteria applied: PM2_SUP, PP3